The following is an entry in ClinVar:

NM_000553.6(WRN):c.1940del (p.Cys646_Ser647insTer)

Gene: WRN (WRN RecQ like helicase; plus strand). Cytogenetic location: 8p12.
Variant type: Deletion.
Coding change: c.1940del on transcript NM_000553.6 (MANE Select); coding-DNA position 1940, one base deleted (C; older notation c.1940delC).
Protein change: p.Cys646_Ser647insTer.
Molecular consequence: nonsense.
Genome position (GRCh38, 1-based): chr8:31,096,809, C deleted. VCF-style (leftmost placement, unchanged base first): chr8-31096808-TC-T. GRCh37 (hg19) VCF-style: chr8-30954324-TC-T.
Identifiers: ClinVar variation 2707306 (VCV002707306.19), dbSNP rs2535943835, ClinGen allele CA2697549869.

ClinVar aggregate classification (germline): Pathogenic. Review status: criteria provided, multiple submitters, no conflicts (2 of 4 stars). 2 submissions from 2 submitters: Pathogenic (2). Last evaluated 2024-08-01.

Conditions:
Werner syndrome (WRN). Identifiers: Orphanet 902, MedGen C0043119, MONDO:0010196, OMIM 277700.

Submissions (2):

CeGaT Center for Human Genetics Tuebingen
Classification: Pathogenic. Last evaluated: 2024-08-01. Review status: criteria provided, single submitter. Criteria: CeGaT Center For Human Genetics Tuebingen Variant Classification Criteria Version 2. Collection method: clinical testing. Allele origin: germline. Affected: yes. Observed: 1 variant allele.
Comment: WRN: PVS1, PM2

Labcorp Genetics (formerly Invitae), Labcorp
Classification: Pathogenic for Werner syndrome. Last evaluated: 2024-01-04. Review status: criteria provided, single submitter. Criteria: Invitae Variant Classification Sherloc (09022015). Collection method: clinical testing. Allele origin: germline.
Comment: This sequence change creates a premature translational stop signal (p.Ser647*) in the WRN gene. It is expected to result in an absent or disrupted protein product. Loss-of-function variants in WRN are known to be pathogenic (PMID: 16673358). This variant is not present in population databases (gnomAD no frequency). This variant has not been reported in the literature in individuals affected with WRN-related conditions. For these reasons, this variant has been classified as Pathogenic.

Literature cited by the submitters: PubMed 16673358 (cited by Labcorp Genetics (formerly Invitae), Labcorp).